The following is an entry in ClinVar:

ClinVar aggregate classification (germline): Uncertain significance (1 of 4 stars; one submission).

Submission:

GeneDx
Classification: Uncertain significance. Last evaluated: 2022-03-07. Review status: criteria provided, single submitter. Criteria: GeneDx Variant Classification Process June 2021. Collection method: clinical testing. Allele origin: germline. Affected: yes.
Comment: Not observed at significant frequency in large population cohorts (gnomAD); In silico analysis supports that this missense variant does not alter protein structure/function; Has not been previously published as pathogenic or benign to our knowledge

NM_145691.4(ATPAF2):c.790G>A (p.Ala264Thr)

Gene: ATPAF2 (ATP synthase mitochondrial F1 complex assembly factor 2; minus strand). Cytogenetic location: 17p11.2.
Variant type: single nucleotide variant.
Coding change: c.790G>A on transcript NM_145691.4 (MANE Select); coding-DNA position 790, G replaced by A.
Protein change: p.Ala264Thr; replaces alanine 264 with threonine.
Molecular consequence: missense variant.
Genome position (GRCh38, 1-based): chr17:18,018,629, C>T on the plus strand (G>A on the coding strand, the complement: ATPAF2 is on the minus strand). VCF-style: chr17-18018629-C-T. GRCh37 (hg19) VCF-style: chr17-17921943-C-T.
Other names: short protein forms A264T.
Identifiers: ClinVar variation 1704731 (VCV001704731.2), dbSNP rs2545068777, ClinGen allele CA398572168.
Genomic context (GRCh38, chr17:18,018,629, plus strand): 5'-GCTTGACTGTGGTGCTCTCGGAGCAGAGATGGATGAAGAGGGTGCCGGCGGCGGTGCGGG[C>T]CCGCAGCTCCTGCAGCTCATAGTCATGGGCCCACTCAATGTTGCCCCACTTCTGGATCTG-3'
Protein context (NP_663729.1, residues 254-274): AHDYELQELR[Ala264Thr]RTAAGTLFIH